The following is an entry in ClinVar:

ClinVar aggregate classification (germline): Uncertain significance (1 of 4 stars; one submission).

Submission:

GeneDx
Classification: Uncertain significance. Last evaluated: 2025-02-13. Review status: criteria provided, single submitter. Criteria: GeneDx Variant Classification Process June 2021. Collection method: clinical testing. Allele origin: germline. Affected: yes.
Comment: Not observed at significant frequency in large population cohorts (gnomAD); In silico analysis supports that this missense variant has a deleterious effect on protein structure/function; Has not been previously published as pathogenic or benign to our knowledge

NM_172362.3(KCNH1):c.1658A>T (p.Glu553Val)

Gene: KCNH1 (potassium voltage-gated channel subfamily H member 1; minus strand). Cytogenetic location: 1q32.2.
Variant type: single nucleotide variant.
Coding change: c.1658A>T on transcript NM_172362.3 (MANE Select); coding-DNA position 1658, A replaced by T.
Protein change: p.Glu553Val; replaces glutamic acid 553 with valine.
Molecular consequence: missense variant.
Genome position (GRCh38, 1-based): chr1:210,803,971, T>A on the plus strand (A>T on the coding strand, the complement: KCNH1 is on the minus strand). VCF-style: chr1-210803971-T-A. GRCh37 (hg19) VCF-style: chr1-210977313-T-A.
Other names: c.1577A>T, p.Glu526Val (NM_002238.4); short protein forms E526V, E553V.
Identifiers: ClinVar variation 4075672 (VCV004075672.1).